The following is an entry in ClinVar:

NM_006294.5(UQCRB):c.1A>G (p.Met1Val)

Genes: UQCRB (ubiquinol-cytochrome c reductase binding protein; minus strand), UQCRB-AS1 (UQCRB antisense RNA 1; plus strand), LOC130000789 (ATAC-STARR-seq lymphoblastoid active region 27659; plus strand). Cytogenetic location: 8q22.1.
Variant type: single nucleotide variant.
Coding change: c.1A>G on transcript NM_006294.5 (MANE Select); coding-DNA position 1, A replaced by G.
Protein change: p.Met1Val; changes the start codon (methionine 1).
Molecular consequence: missense variant, initiator codon variant. On other transcripts: non-coding transcript variant (3), 5 prime UTR variant (1).
Genome position (GRCh38, 1-based): chr8:96,235,530, T>C on the plus strand (A>G on the coding strand, the complement: UQCRB is on the minus strand). VCF-style: chr8-96235530-T-C. GRCh37 (hg19) VCF-style: chr8-97247758-T-C.
Other names: c.-210A>G (NM_001199975.3); c.1A>G, p.Met1Val (NM_001254752.2); short protein forms M1V.
Identifiers: ClinVar variation 3907973 (VCV003907973.1).
Genomic context (GRCh38, chr8:96,235,530, plus strand): 5'-GAAGCGCGACGATGCCGGCCAAGAAGACCCCCAGTTACTTACCGGCCTGCTTACCAGCCA[T>C]TTTGACCAGAAAGAGAAGCGTTGCCTTCTGGGTAAGTCATAGAGGACAAGCTGGGCCCAG-3'
Protein context (NP_006285.1, residues 1-11): [Met1Val]AGKQAVSASG

ClinVar aggregate classification (germline): Likely pathogenic (1 of 4 stars; one submission).

Submission:

GeneDx
Classification: Likely pathogenic. Last evaluated: 2024-12-27. Review status: criteria provided, single submitter. Criteria: GeneDx Variant Classification Process June 2021. Collection method: clinical testing. Allele origin: germline. Affected: yes.
Comment: Initiation codon variant in a gene for which loss of function is a known mechanism of disease; Not observed at significant frequency in large population cohorts (gnomAD); Has not been previously published as pathogenic or benign to our knowledge